The following is an entry in ClinVar:

NM_001081.4(CUBN):c.9565A>G (p.Ile3189Val)

Gene: CUBN (cubilin; minus strand). Cytogenetic location: 10p13.
Variant type: single nucleotide variant.
Coding change: c.9565A>G on transcript NM_001081.4 (MANE Select); coding-DNA position 9565, A replaced by G.
Protein change: p.Ile3189Val; replaces isoleucine 3189 with valine.
Molecular consequence: missense variant.
Genome position (GRCh38, 1-based): chr10:16,851,333, T>C on the plus strand (A>G on the coding strand, the complement: CUBN is on the minus strand). VCF-style: chr10-16851333-T-C. GRCh37 (hg19) VCF-style: chr10-16893332-T-C.
Other names: short protein forms I3189V.
Identifiers: ClinVar variation 299378 (VCV000299378.21), dbSNP rs111265129, ClinGen allele CA5422666.

ClinVar aggregate classification (germline): Benign/Likely benign. Review status: criteria provided, multiple submitters, no conflicts (2 of 4 stars). 6 submissions from 6 submitters: Benign (2); Likely benign (4). Last evaluated 2026-01-22.

Conditions:
Imerslund-Grasbeck syndrome type 1 (IGS1). Also called: Megaloblastic anemia 1, Finnish type; MEGALOBLASTIC ANEMIA, 1; Imerslund-Gräsbeck syndrome 1. Identifiers: MedGen C4016819, MONDO:0100156, OMIM 261100.
Imerslund-Grasbeck syndrome. Also called: Megaloblastic anemia due to inborn errors of metabolism; Imerslund-Gräsbeck syndrome; ENTEROCYTE COBALAMIN MALABSORPTION; ENTEROCYTE INTRINSIC FACTOR RECEPTOR, DEFECT OF; PERNICIOUS ANEMIA, JUVENILE, DUE TO SELECTIVE INTESTINAL MALABSORPTION OF VITAMIN B12, WITH PROTEINURIA. Identifiers: Orphanet 35858, MedGen C4551825, MONDO:0009853.

Allele frequency attached by ClinVar (database versions not stated): gnomAD exomes 0.00330 and 0.00118; TOPMed 0.01446; 1000 Genomes Project 30x 0.01530; gnomAD 0.01258 and 0.01345; ExAC 0.00419; 1000 Genomes Project 0.01398; ESP Exome Variant Server 0.01492.
gnomAD v4.1: 3,732 of 1,614,118 alleles (0.23%); highest among the groups gnomAD compares: African/African-American, 4.3%; 75 homozygotes.

Submissions (6):

Labcorp Genetics (formerly Invitae), Labcorp
Classification: Benign for Imerslund-Grasbeck syndrome. Last evaluated: 2026-01-22. Review status: criteria provided, single submitter. Criteria: Invitae Variant Classification Sherloc (09022015). Collection method: clinical testing. Allele origin: germline.

Mayo Clinic Laboratories, Mayo Clinic
Classification: Likely benign. Last evaluated: 2024-12-31. Review status: criteria provided, single submitter. Criteria: ACMG Guidelines, 2015. Collection method: clinical testing. Allele origin: germline. Observed: 9 variant alleles.
Comment: BA1, BS2

ARUP Laboratories, Molecular Genetics and Genomics, ARUP Laboratories
Classification: Benign. Last evaluated: 2024-08-09. Review status: criteria provided, single submitter. Criteria: ARUP Molecular Germline Variant Investigation Process 2024. Collection method: clinical testing. Allele origin: germline.

GeneDx
Classification: Likely benign. Last evaluated: 2021-06-21. Review status: criteria provided, single submitter. Criteria: GeneDx Variant Classification Process June 2021. Collection method: clinical testing. Allele origin: germline. Affected: yes.

Illumina Laboratory Services, Illumina
Classification: Likely benign for Imerslund-Grasbeck syndrome type 1. Last evaluated: 2017-04-27. Review status: criteria provided, single submitter. Criteria: ICSL Variant Classification Criteria 13 December 2019. Collection method: clinical testing. Allele origin: germline.
Comment: This variant was observed as part of a predisposition screen in an ostensibly healthy population. A literature search was performed for the gene, cDNA change, and amino acid change (where applicable). Publications were found based on this search. The evidence from the literature, in combination with allele frequency data from public databases where available, was sufficient to determine this variant is unlikely to cause disease. Therefore, this variant is classified as likely benign.

Breakthrough Genomics
Classification: Likely benign. Review status: criteria provided, single submitter. Criteria: ACMG Guidelines, 2015. Collection method: not provided. Allele origin: germline. Inheritance: Autosomal recessive inheritance. Affected: yes.

Literature cited by the submitters: PubMed 15963748 (cited by Illumina Laboratory Services, Illumina).